The following is an entry in ClinVar:

ClinVar aggregate classification (germline): Uncertain significance (1 of 4 stars; one submission).

Conditions:
COG4-congenital disorder of glycosylation. Also called: COG4-CDG; CONGENITAL DISORDER OF GLYCOSYLATION, TYPE IIj; CDG IIj. Identifiers: Orphanet 263501, MedGen C4303552, MONDO:0013281, OMIM 613489.

Submission:

Labcorp Genetics (formerly Invitae), Labcorp
Classification: Uncertain significance for COG4-congenital disorder of glycosylation. Last evaluated: 2025-10-24. Review status: criteria provided, single submitter. Criteria: Invitae Variant Classification Sherloc (09022015). Collection method: clinical testing. Allele origin: germline.
Comment: This sequence change replaces arginine, which is basic and polar, with tryptophan, which is neutral and slightly polar, at codon 336 of the COG4 protein (p.Arg336Trp). This variant is present in population databases (rs375055959, gnomAD 0.004%). This variant has not been reported in the literature in individuals affected with COG4-related conditions. ClinVar contains an entry for this variant (Variation ID: 3715937). Invitae Evidence Modeling of protein sequence and biophysical properties (such as structural, functional, and spatial information, amino acid conservation, physicochemical variation, residue mobility, and thermodynamic stability) indicates that this missense variant is not expected to disrupt COG4 protein function with a negative predictive value of 80%. Algorithms developed to predict the effect of sequence changes on RNA splicing suggest that this variant may disrupt the consensus splice site. In summary, the available evidence is currently insufficient to determine the role of this variant in disease. Therefore, it has been classified as a Variant of Uncertain Significance.

NM_015386.3(COG4):c.1006C>T (p.Arg336Trp)

Gene: COG4 (component of oligomeric golgi complex 4; minus strand). Cytogenetic location: 16q22.1.
Variant type: single nucleotide variant.
Coding change: c.1006C>T on transcript NM_015386.3 (MANE Select); coding-DNA position 1006, C replaced by T.
Protein change: p.Arg336Trp; replaces arginine 336 with tryptophan.
Molecular consequence: missense variant. On other transcripts: non-coding transcript variant (1).
Genome position (GRCh38, 1-based): chr16:70,508,461, G>A on the plus strand (C>T on the coding strand, the complement: COG4 is on the minus strand). VCF-style: chr16-70508461-G-A. GRCh37 (hg19) VCF-style: chr16-70542364-G-A.
Other names: c.994C>T, p.Arg332Trp (NM_001195139.2); c.580C>T, p.Arg194Trp (NM_001365426.1); short protein forms R336W, R332W, R194W.
Identifiers: ClinVar variation 3715937 (VCV003715937.2).